The following is an entry in ClinVar:

NM_203446.3(SYNJ1):c.*127G>C

Gene: SYNJ1 (synaptojanin 1; minus strand). Cytogenetic location: 21q22.11.
Variant type: single nucleotide variant.
Coding change: c.*127G>C on transcript NM_203446.3 (MANE Select); 127 bases downstream of the stop codon, G replaced by C.
Molecular consequence: 3 prime UTR variant. On other transcripts: missense variant (2).
Genome position (GRCh38, 1-based): chr21:32,631,678, C>G on the plus strand (G>C on the coding strand, the complement: SYNJ1 is on the minus strand). VCF-style: chr21-32631678-C-G. GRCh37 (hg19) VCF-style: chr21-34003988-C-G.
Other names: c.*127G>C (NM_001160302.2); c.3898G>C, p.Val1300Leu (NM_001160306.2); c.4156G>C, p.Val1386Leu (NM_003895.4); short protein forms V1300L, V1386L.
Identifiers: ClinVar variation 662385 (VCV000662385.10), dbSNP rs1342453394, ClinGen allele CA410082913.
Genomic context (GRCh38, chr21:32,631,678, plus strand): 5'-AAACATTACTTTGCGTTGCAGAAGGCAACTGAATCAACCTCTTTGGGTCTGGGGTGGGAA[C>G]AGGTGACGTTTGAACAGATAGCTGAGCCTTTGATACAGCAAGCAGATTAAATGACAGATC-3'

ClinVar aggregate classification (germline): Uncertain significance (1 of 4 stars; one submission).

Conditions:
Developmental and epileptic encephalopathy, 53. Also called: Epileptic encephalopathy, early infantile, 53. Identifiers: MedGen C4479313, MONDO:0033362, OMIM 617389.
Early-onset Parkinson disease 20. Also called: PARKINSON DISEASE 20, AUTOSOMAL RECESSIVE EARLY-ONSET. Identifiers: Orphanet 391411, MedGen C3809824, MONDO:0014233, OMIM 615530.

Allele frequency attached by ClinVar (database versions not stated): gnomAD 0.00001; gnomAD exomes 0.00001; TOPMed 0.00001.

Submission:

Labcorp Genetics (formerly Invitae), Labcorp
Classification: Uncertain significance for Developmental and epileptic encephalopathy, 53; Early-onset Parkinson disease 20. Last evaluated: 2024-11-11. Review status: criteria provided, single submitter. Criteria: Invitae Variant Classification Sherloc (09022015). Collection method: clinical testing. Allele origin: germline.
Comment: This sequence change replaces valine, which is neutral and non-polar, with leucine, which is neutral and non-polar, at codon 1386 of the SYNJ1 protein (p.Val1386Leu). This variant is present in population databases (no rsID available, gnomAD 0.01%). This variant has not been reported in the literature in individuals affected with SYNJ1-related conditions. ClinVar contains an entry for this variant (Variation ID: 662385). An algorithm developed to predict the effect of missense changes on protein structure and function (PolyPhen-2) suggests that this variant is likely to be tolerated. In summary, the available evidence is currently insufficient to determine the role of this variant in disease. Therefore, it has been classified as a Variant of Uncertain Significance.